The following is an entry in ClinVar:

ClinVar aggregate classification (germline): Uncertain significance (1 of 4 stars; one submission).

Conditions:
DICER1-related tumor predisposition. Also called: DICER1-related pleuropulmonary blastoma cancer predisposition syndrome; DICER1 syndrome. Identifiers: Orphanet 284343, MedGen C3839822, MONDO:0100216.

Allele frequency attached by ClinVar (database versions not stated): gnomAD exomes below 0.00001.

Submission:

Labcorp Genetics (formerly Invitae), Labcorp
Classification: Uncertain significance for DICER1-related tumor predisposition. Last evaluated: 2025-08-25. Review status: criteria provided, single submitter. Criteria: Invitae Variant Classification Sherloc (09022015). Collection method: clinical testing. Allele origin: germline.
Comment: This sequence change falls in intron 10 of the DICER1 gene. It does not directly change the encoded amino acid sequence of the DICER1 protein. This variant is not present in population databases (gnomAD no frequency). This variant has not been reported in the literature in individuals affected with DICER1-related conditions. ClinVar contains an entry for this variant (Variation ID: 1373666). Algorithms developed to predict the effect of sequence changes on RNA splicing suggest that this variant may disrupt the consensus splice site. In summary, the available evidence is currently insufficient to determine the role of this variant in disease. Therefore, it has been classified as a Variant of Uncertain Significance.

NM_177438.3(DICER1):c.1753-7del

Gene: DICER1 (dicer 1, ribonuclease III; minus strand). Cytogenetic location: 14q32.13.
Variant type: Deletion.
Coding change: c.1753-7del on transcript NM_177438.3 (MANE Select); 7 bases into the intron before coding-DNA position 1753, one base deleted (T; older notation c.1753-7delT).
Molecular consequence: intron variant.
Genome position (GRCh38, 1-based): chr14:95,115,828, A deleted on the plus strand (T on the coding strand, the reverse complement: DICER1 is on the minus strand). VCF-style (leftmost placement, unchanged base first): chr14-95115827-CA-C. GRCh37 (hg19) VCF-style: chr14-95582164-CA-C.
Other names: c.1753-7del (NM_001291628.2, NM_030621.4, NM_001271282.3 and 1 more transcripts).
Identifiers: ClinVar variation 1373666 (VCV001373666.9), dbSNP rs2140115164, ClinGen allele CA2573150500.